The following is an entry in ClinVar:

NM_001204.7(BMPR2):c.797G>C (p.Arg266Thr)

Gene: BMPR2 (bone morphogenetic protein receptor type 2; plus strand). Cytogenetic location: 2q33.2.
Variant type: single nucleotide variant.
Coding change: c.797G>C on transcript NM_001204.7 (MANE Select); coding-DNA position 797, G replaced by C.
Protein change: p.Arg266Thr; replaces arginine 266 with threonine.
Molecular consequence: missense variant.
Genome position (GRCh38, 1-based): chr2:202,518,997, G>C. VCF-style: chr2-202518997-G-C. GRCh37 (hg19) VCF-style: chr2-203383720-G-C.
Other names: p.R266T:AGA>ACA; NM_001204.7(BMPR2):c.797G>C; p.Arg266Thr; c.797G>C, p.R266T (LRG_712t1); short protein forms R266T.
Identifiers: ClinVar variation 212810 (VCV000212810.11), dbSNP rs374694591, ClinGen allele CA320454.

ClinVar aggregate classification (germline): Uncertain significance. Review status: reviewed by expert panel (3 of 4 stars). 8 submissions from 8 submitters: Uncertain significance (1). 7 of the submissions do not count toward it. Last evaluated 2024-05-02.

Conditions:
Pulmonary arterial hypertension. Identifiers: Orphanet 182090, MedGen C2973725, MeSH D000081029, MONDO:0015924, HP:0002092.
Pulmonary arterial hypertension associated with another disease. Identifiers: Orphanet 275791, MedGen C5679756, MONDO:0017150.
BMPR2-related disorder. Also called: BMPR2-related condition; BMPR2-related disorders.
Primary pulmonary hypertension. Also called: Idiopathic pulmonary hypertension. Identifiers: MedGen C0152171.
Pulmonary hypertension, primary, 1 (PPH1). Also called: Pulmonary hypertension, familial primary, 1, with or without HHT. Identifiers: Orphanet 422, MedGen C4552070, MONDO:0024533, OMIM 178600.
Pulmonary venoocclusive disease 1 (PVOD1). Also called: Pulmonary venoocclusive disease 1, autosomal dominant. Identifiers: Orphanet 31837, MedGen C3887658, MONDO:0020713, OMIM 265450.

Allele frequency attached by ClinVar (database versions not stated): gnomAD 0.00003 and 0.00004; TOPMed 0.00003; ExAC 0.00004; ESP Exome Variant Server 0.00008; gnomAD exomes 0.00004 and 0.00008.
gnomAD v4.1: 114 of 1,614,164 alleles (0.0071%); highest among the groups gnomAD compares: Non-Finnish European, 0.0093%; no homozygotes.

Submissions (8):

Clingen Pulmonary Hypertension Variant Curation Expert Panel, ClinGen
Classification: Uncertain significance for Pulmonary arterial hypertension. Last evaluated: 2024-05-02. Review status: reviewed by expert panel. Criteria: ClinGen PH ACMG Specifications BMPR2 V1.1.0. Collection method: curation. Allele origin: germline. Inheritance: Autosomal dominant inheritance.
Comment: The BMPR2 c.797G>C variant is a missense variant predicted to cause an arginine to threonine substitution at amino acid 266 (p.Arg266Thr). The variant is absent from gnomAD v2.1.1 controls and v4.1 (PM2 met). The REVEL score is 0.628 and does not meet PP3 (>=0.75) nor BP4 (<0.25) criteria for computational predicted impact on the gene product. Two unrelated idiopathic pulmonary arterial hypertension probands have been reported (PMID: 16429395, PMID: 19555857) but is below the threshold for PP1 (at least three probands). An additional proband with pulmonary arterial hypertension associated with another disease (PMID: 31727138) was not included in the count. Experimental data has not been reported for this variant. In summary, this variant is classified as a variant of uncertain significance for pulmonary arterial hypertension based on the ACMG/AMP criteria applied, as specified by the ClinGen Pulmonary Hypertension VCEP: PM2 (VCEP specifications version 1.1, 1/18/2024).

Fulgent Genetics
Classification: Uncertain significance for Pulmonary hypertension, primary, 1; Pulmonary venoocclusive disease 1. Last evaluated: 2024-06-15. Review status: criteria provided, single submitter. Criteria: ACMG Guidelines, 2015. Collection method: clinical testing. Allele origin: germline. Not counted in ClinVar's aggregate classification.

Labcorp Genetics (formerly Invitae), Labcorp
Classification: Uncertain significance for Primary pulmonary hypertension. Last evaluated: 2023-11-19. Review status: criteria provided, single submitter. Criteria: Invitae Variant Classification Sherloc (09022015). Collection method: clinical testing. Allele origin: germline. Not counted in ClinVar's aggregate classification.
Comment: This sequence change replaces arginine, which is basic and polar, with threonine, which is neutral and polar, at codon 266 of the BMPR2 protein (p.Arg266Thr). This variant is present in population databases (rs374694591, gnomAD 0.01%). This missense change has been observed in individual(s) with idiopathic pulmonary arterial hypertension and/or pulmonary arterial hypertension associated with other medical conditions (PMID: 16429395, 31727138). ClinVar contains an entry for this variant (Variation ID: 212810). Advanced modeling of protein sequence and biophysical properties (such as structural, functional, and spatial information, amino acid conservation, physicochemical variation, residue mobility, and thermodynamic stability) has been performed at Invitae for this missense variant, however the output from this modeling did not meet the statistical confidence thresholds required to predict the impact of this variant on BMPR2 protein function. In summary, the available evidence is currently insufficient to determine the role of this variant in disease. Therefore, it has been classified as a Variant of Uncertain Significance.

PreventionGenetics, part of Exact Sciences
Classification: Uncertain significance for BMPR2-related condition. Last evaluated: 2023-05-21. Review status: criteria provided, single submitter. Criteria: ACMG Guidelines, 2015. Collection method: clinical testing. Allele origin: germline. Not counted in ClinVar's aggregate classification.
Comment: The BMPR2 c.797G>C variant is predicted to result in the amino acid substitution p.Arg266Thr. This variant was reported in at least one individual with pulmonary arterial hypertension phenotypes (Table 1, Machado et al 2006. PubMed ID: 16429395; Machado et al. 2009. PubMed ID: 19555857; Table S3, Machado et al. 2015. PubMed ID: 26387786; Table S3, Zhu et al. 2019. PubMed ID: 31727138). However, segregation information was not provided. This variant is reported in 0.0097% of alleles in individuals of European (Non-Finnish) descent in gnomAD. While we suspect that this variant could be pathogenic, at this time we interpret its clinical significance as uncertain due to the absence of conclusive functional and genetic evidence.

Center for Pediatric Genomic Medicine, Children's Mercy Hospital and Clinics
Classification: Uncertain significance. Last evaluated: 2017-08-16. Review status: criteria provided, single submitter. Criteria: ACMG Guidelines, 2015. Collection method: clinical testing. Allele origin: germline. Not counted in ClinVar's aggregate classification.

GeneDx
Classification: Pathogenic. Last evaluated: 2014-12-02. Review status: criteria provided, single submitter. Criteria: GeneDx Variant Classification (06012015). Collection method: clinical testing. Allele origin: germline. Affected: yes. Not counted in ClinVar's aggregate classification.
Comment: p.Arg266Thr (AGA>ACA): c.797 G>C in exon 6 of the BMPR2 gene (NM_001204.6). The R266T mutation in the BMPR2 gene has been reported in one individual diagnosed with PAH and was absent from 300 control chromosomes; however, no additional clinical information or segregation studies were provided (Machado et al., 2006). R266T results in a semi-conservative amino acid substitution as these residues share similar properties, but differs in size, charge, or other properties which may impact secondary structure. This substitution occurs at a position that is conserved across species. Mutations in nearby residues (D264N, M273R) have been reported in association with PAH, further supporting the functional importance of this region of the protein. Furthermore, the R266T variant was not observed with any significant frequency in approximately 6,500 individuals of European and African American ancestry in the NHLBI Exome Sequencing Project. In summary, R266T in the BMPR2 gene is interpreted as a disease-causing mutation. This variant was found in PAH-ARRHYTHMIA

Rare Disease Genomics Group, St George's University of London
Classification: Pathogenic for Primary pulmonary hypertension. Review status: no assertion criteria provided. Collection method: literature only. Allele origin: germline. Affected: yes. Not counted in ClinVar's aggregate classification.

Wendy Chung Laboratory, Boston Children's Hospital
No classification provided. Condition: Pulmonary arterial hypertension associated with another disease. Review status: no classification provided. Collection method: literature only. Allele origin: germline. Affected: yes. Not counted in ClinVar's aggregate classification.

Literature cited by the submitters: PubMed 16429395 (cited by Labcorp Genetics (formerly Invitae), Labcorp and Rare Disease Genomics Group, St George's University of London); PubMed 31727138 (cited by Labcorp Genetics (formerly Invitae), Labcorp and Wendy Chung Laboratory, Boston Children's Hospital); PubMed 19555857 (cited by Rare Disease Genomics Group, St George's University of London).